The following is an entry in ClinVar:

NM_012330.4(KAT6B):c.5093G>A (p.Gly1698Asp)

Gene: KAT6B (lysine acetyltransferase 6B; plus strand). Cytogenetic location: 10q22.2.
Variant type: single nucleotide variant.
Coding change: c.5093G>A on transcript NM_012330.4 (MANE Select); coding-DNA position 5093, G replaced by A.
Protein change: p.Gly1698Asp; replaces glycine 1698 with aspartic acid.
Molecular consequence: missense variant.
Genome position (GRCh38, 1-based): chr10:75,029,917, G>A. VCF-style: chr10-75029917-G-A. GRCh37 (hg19) VCF-style: chr10-76789675-G-A.
Other names: c.4544G>A, p.Gly1515Asp (NM_001256468.2, NM_001370138.1); c.4217G>A, p.Gly1406Asp (NM_001256469.2, NM_001370139.1, NM_001370140.1 and 2 more transcripts); c.4055G>A, p.Gly1352Asp (NM_001370132.1); c.3404G>A, p.Gly1135Asp (NM_001370133.1); c.3008G>A, p.Gly1003Asp (NM_001370134.1); c.2750G>A, p.Gly917Asp (NM_001370135.1); c.5093G>A, p.Gly1698Asp (NM_001370136.1, NM_001370137.1); c.4028G>A, p.Gly1343Asp (NM_001370143.1, NM_001370144.1); short protein forms G1003D, G1406D, G1352D, G917D, G1343D, G1515D, G1135D, G1698D.
Identifiers: ClinVar variation 2754069 (VCV002754069.3), dbSNP rs2549208435, ClinGen allele CA377299902.

ClinVar aggregate classification (germline): Uncertain significance (1 of 4 stars; one submission).

Conditions:
Genitopatellar syndrome (GTPTS). Also called: ABSENT PATELLAE, SCROTAL HYPOPLASIA, RENAL ANOMALIES, FACIAL DYSMORPHISM, AND MENTAL RETARDATION; Genitopatellar syndrome (GPS). Identifiers: Orphanet 85201, MedGen C1853566, MONDO:0011640, OMIM 606170.

Submission:

Labcorp Genetics (formerly Invitae), Labcorp
Classification: Uncertain significance for Genitopatellar syndrome. Last evaluated: 2023-08-19. Review status: criteria provided, single submitter. Criteria: Invitae Variant Classification Sherloc (09022015). Collection method: clinical testing. Allele origin: germline.
Comment: This sequence change replaces glycine, which is neutral and non-polar, with aspartic acid, which is acidic and polar, at codon 1698 of the KAT6B protein (p.Gly1698Asp). This variant is not present in population databases (gnomAD no frequency). This variant has not been reported in the literature in individuals affected with KAT6B-related conditions. Advanced modeling of protein sequence and biophysical properties (such as structural, functional, and spatial information, amino acid conservation, physicochemical variation, residue mobility, and thermodynamic stability) performed at Invitae indicates that this missense variant is not expected to disrupt KAT6B protein function. In summary, the available evidence is currently insufficient to determine the role of this variant in disease. Therefore, it has been classified as a Variant of Uncertain Significance.